The following is an entry in ClinVar:

ClinVar aggregate classification (germline): Uncertain significance. Review status: criteria provided, multiple submitters, no conflicts (2 of 4 stars). 2 submissions from 2 submitters: Uncertain significance (2). Last evaluated 2022-09-07.

Conditions:
Myoclonic dystonia 11 (DYT11). Also called: SGCE Myoclonus-Dystonia; Myoclonus-Dystonia; Myoclonic dystonia; Dystonia 11; Dystonia, alcohol responsive; Hereditary essential myoclonus. Identifiers: Orphanet 36899, MedGen C1834570, MONDO:0008044, OMIM 159900.

Allele frequency attached by ClinVar (database versions not stated): ExAC 0.00001; gnomAD exomes 0.00001; TOPMed 0.00001; gnomAD 0.00003.
gnomAD v4.1: 7 of 1,612,674 alleles (0.00043%); highest among the groups gnomAD compares: Non-Finnish European, 0.00059%; no homozygotes.

Submissions (2):

Labcorp Genetics (formerly Invitae), Labcorp
Classification: Uncertain significance for Myoclonic dystonia 11. Last evaluated: 2022-09-07. Review status: criteria provided, single submitter. Criteria: Invitae Variant Classification Sherloc (09022015). Collection method: clinical testing. Allele origin: germline.
Comment: Algorithms developed to predict the effect of missense changes on protein structure and function (SIFT, PolyPhen-2, Align-GVGD) all suggest that this variant is likely to be tolerated. In summary, the available evidence is currently insufficient to determine the role of this variant in disease. Therefore, it has been classified as a Variant of Uncertain Significance. ClinVar contains an entry for this variant (Variation ID: 810136). This variant has not been reported in the literature in individuals affected with SGCE-related conditions. This variant is present in population databases (rs773893939, gnomAD 0.002%). This sequence change replaces valine, which is neutral and non-polar, with alanine, which is neutral and non-polar, at codon 255 of the SGCE protein (p.Val255Ala).

CeGaT Center for Human Genetics Tuebingen
Classification: Uncertain significance. Last evaluated: 2018-10-01. Review status: criteria provided, single submitter. Criteria: CeGaT Center For Human Genetics Tuebingen Variant Classification Criteria Version 2. Collection method: clinical testing. Allele origin: germline. Affected: yes. Observed: 1 variant allele.

NM_003919.3(SGCE):c.764T>C (p.Val255Ala)

Genes: CASD1 (CAS1 domain sialic acid O acetyltransferase 1; plus strand), SGCE (sarcoglycan epsilon; minus strand). Cytogenetic location: 7q21.3.
Variant type: single nucleotide variant.
Coding change: c.764T>C on transcript NM_003919.3 (MANE Select); coding-DNA position 764, T replaced by C.
Protein change: p.Val255Ala; replaces valine 255 with alanine.
Molecular consequence: missense variant.
Genome position (GRCh38, 1-based): chr7:94,603,351, A>G on the plus strand (T>C on the coding strand, the complement: SGCE is on the minus strand). VCF-style: chr7-94603351-A-G. GRCh37 (hg19) VCF-style: chr7-94232663-A-G.
Other names: c.764T>C, p.Val255Ala (NM_001099400.2, NM_001099401.2, NM_001346717.2); c.641T>C, p.Val214Ala (NM_001301139.2, NM_001362809.2); c.872T>C, p.Val291Ala (NM_001346713.2, NM_001346715.2); c.677T>C, p.Val226Ala (NM_001346719.2, NM_001362807.2); c.491T>C, p.Val164Ala (NM_001346720.2, NM_001362808.2); short protein forms V214A, V226A, V255A, V164A, V291A.
Identifiers: ClinVar variation 810136 (VCV000810136.46), dbSNP rs773893939, ClinGen allele CA4348729.
Genomic context (GRCh38, chr7:94,603,351, plus strand): 5'-AATGAAATTTTGCACCAGTCAATGTAAAATTGAGTACGAAATTTTTTATCACATGTTATT[A>G]CAGGCTCCATTTCTTGACTACATCTCAATTGATTCTGTGGATTTTCAACTTCTCGTAAAC-3'
Protein context (NP_003910.1, residues 245-265): QLRCSQEMEP[Val255Ala]ITCDKKFRTQ